The following is an entry in ClinVar:

NM_001384140.1(PCDH15):c.3467del (p.Asp1156fs)

Gene: PCDH15 (protocadherin related 15; minus strand). Cytogenetic location: 10q21.1.
Variant type: Deletion.
Coding change: c.3467del on transcript NM_001384140.1 (MANE Select); coding-DNA position 3467, one base deleted (A; older notation c.3467delA).
Protein change: p.Asp1156fs; shifts the reading frame from aspartic acid 1156.
Molecular consequence: frameshift variant.
Genome position (GRCh38, 1-based): chr10:53,903,277, T deleted on the plus strand (A on the coding strand, the reverse complement: PCDH15 is on the minus strand). VCF-style (leftmost placement, unchanged base first): chr10-53903276-AT-A. GRCh37 (hg19) VCF-style: chr10-55663036-AT-A.
Other names: c.3482del, p.Asp1161fs (NM_001142763.2, NM_001142771.2); c.3467del, p.Asp1156fs (NM_001142764.2, NM_001142766.2, NM_001142770.3 and 4 more transcripts); c.3254del, p.Asp1085fs (NM_001142765.2); c.3356del, p.Asp1119fs (NM_001142767.2); c.3401del, p.Asp1134fs (NM_001142768.2, NM_001142773.2, NM_001354404.2); c.3503delA, p.Asp1168Valfs (NM_001142769.4); c.3488del, p.Asp1163fs (NM_001354411.2); short protein forms D1085fs, D1119fs, D1134fs, D1156fs, D1161fs, D1163fs, D1168fs.
Identifiers: ClinVar variation 5013932 (VCV005013932.1).

ClinVar aggregate classification (germline): Pathogenic (1 of 4 stars; one submission).

Conditions:
Usher syndrome type 1F (USH1F). Also called: USHER SYNDROME, TYPE IF. Identifiers: Orphanet 231169, Orphanet 886, MedGen C1865885, MONDO:0011186, OMIM 602083.

Submission:

Myriad Genetics, Inc.
Classification: Pathogenic for Usher syndrome type 1F. Last evaluated: 2025-01-07. Review status: criteria provided, single submitter. Criteria: Myriad Autosomal Dominant, Autosomal Recessive and X-Linked Classification Criteria (2023). Collection method: clinical testing. Allele origin: unknown.
Comment: NM_033056.3(PCDH15):c.3467delA(D1156Vfs*11) is expected to be pathogenic in the context of PCDH15-related disorders. This variant is predicted to lead to an abnormal or absent protein product due to the creation of a premature termination codon in PCDH15, a gene where loss-of-function variants are known to be pathogenic. Please note: this variant was assessed in the context of healthy population screening.